The following is an entry in ClinVar:

ClinVar aggregate classification (germline): Uncertain significance (1 of 4 stars; one submission).

Conditions:
Gastrointestinal stromal tumor. Also called: Gastrointestinal stromal tumor, somatic; Gastrointestinal stroma tumor. Identifiers: Orphanet 44890, MedGen C0238198, MeSH D046152, MONDO:0011719, OMIM 606764, HP:0100723.

Submission:

Labcorp Genetics (formerly Invitae), Labcorp
Classification: Uncertain significance for Gastrointestinal stromal tumor. Last evaluated: 2023-01-09. Review status: criteria provided, single submitter. Criteria: Invitae Variant Classification Sherloc (09022015). Collection method: clinical testing. Allele origin: germline.
Comment: In summary, the available evidence is currently insufficient to determine the role of this variant in disease. Therefore, it has been classified as a Variant of Uncertain Significance. Algorithms developed to predict the effect of missense changes on protein structure and function are either unavailable or do not agree on the potential impact of this missense change (SIFT: "Deleterious"; PolyPhen-2: "Possibly Damaging"; Align-GVGD: "Class C0"). This variant has not been reported in the literature in individuals affected with KIT-related conditions. This variant is not present in population databases (gnomAD no frequency). This sequence change replaces asparagine, which is neutral and polar, with aspartic acid, which is acidic and polar, at codon 819 of the KIT protein (p.Asn819Asp).

NM_000222.3(KIT):c.2455A>G (p.Asn819Asp)

Gene: KIT (KIT proto-oncogene, receptor tyrosine kinase; plus strand). Cytogenetic location: 4q12.
Variant type: single nucleotide variant.
Coding change: c.2455A>G on transcript NM_000222.3 (MANE Select); coding-DNA position 2455, A replaced by G.
Protein change: p.Asn819Asp; replaces asparagine 819 with aspartic acid.
Molecular consequence: missense variant.
Genome position (GRCh38, 1-based): chr4:54,733,163, A>G. VCF-style: chr4-54733163-A-G. GRCh37 (hg19) VCF-style: chr4-55599329-A-G.
Other names: c.2443A>G, p.Asn815Asp (NM_001093772.2, NM_001385292.1); c.2458A>G, p.Asn820Asp (NM_001385284.1); c.2452A>G, p.Asn818Asp (NM_001385285.1); c.2440A>G, p.Asn814Asp (NM_001385286.1); c.2446A>G, p.Asn816Asp (NM_001385288.1); c.2455A>G, p.Asn819Asp (NM_001385290.1); short protein forms N816D, N818D, N814D, N815D, N819D, N820D.
Identifiers: ClinVar variation 2827170 (VCV002827170.3), dbSNP rs2109801792, ClinGen allele CA356911934.